The following is an entry in ClinVar:

NM_018008.4(FEZF2):c.352dup (p.Ala118fs)

Gene: FEZF2 (FEZ family zinc finger 2; minus strand). Cytogenetic location: 3p14.2.
Variant type: Duplication.
Coding change: c.352dup on transcript NM_018008.4 (MANE Select); coding-DNA position 352, one base duplicated (G; older notation c.352dupG).
Protein change: p.Ala118fs; shifts the reading frame from alanine 118.
Molecular consequence: frameshift variant.
Genome position (GRCh38, 1-based): chr3:62,372,517, C duplicated on the plus strand (G on the coding strand, the reverse complement: FEZF2 is on the minus strand); the first of 7 consecutive C bases (chr3:62,372,517-62,372,523); duplicating any one gives the same sequence. VCF-style (leftmost placement, unchanged base first): chr3-62372516-G-GC. GRCh37 (hg19) VCF-style: chr3-62358191-G-GC.
Other names: c.352dup (NM_018008.3); short protein forms A118fs.
Identifiers: ClinVar variation 2653934 (VCV002653934.24), dbSNP rs760113431, ClinGen allele CA543191386.

ClinVar aggregate classification (germline): Conflicting classifications of pathogenicity. Review status: criteria provided, conflicting classifications (1 of 4 stars). 2 submissions from 2 submitters: Pathogenic (1); Uncertain significance (1). Last evaluated 2024-11-08.

Submissions (2):

GeneDx
Classification: Pathogenic. Last evaluated: 2024-11-08. Review status: criteria provided, single submitter. Criteria: GeneDx Variant Classification Process June 2021. Collection method: clinical testing. Allele origin: germline. Affected: yes.
Comment: Frameshift variant predicted to result in protein truncation or nonsense mediated decay in a gene for which loss of function is a known mechanism of disease; Has not been previously published as pathogenic or benign to our knowledge

CeGaT Center for Human Genetics Tuebingen
Classification: Uncertain significance. Last evaluated: 2022-07-01. Review status: criteria provided, single submitter. Criteria: CeGaT Center For Human Genetics Tuebingen Variant Classification Criteria Version 2. Collection method: clinical testing. Allele origin: germline. Affected: yes. Observed: 1 variant allele.